The following is an entry in ClinVar:

NM_001099922.3(ALG13):c.1883A>G (p.His628Arg)

Gene: ALG13 (ALG13 UDP-N-acetylglucosaminyltransferase subunit; plus strand). Cytogenetic location: Xq23.
Variant type: single nucleotide variant.
Coding change: c.1883A>G on transcript NM_001099922.3 (MANE Select); coding-DNA position 1883, A replaced by G.
Protein change: p.His628Arg; replaces histidine 628 with arginine.
Molecular consequence: missense variant. On other transcripts: non-coding transcript variant (1).
Genome position (GRCh38, 1-based): chrX:111,726,962, A>G. VCF-style: chrX-111726962-A-G. GRCh37 (hg19) VCF-style: chrX-110970190-A-G.
Other names: c.1571A>G, p.His524Arg (NM_001257230.2, NM_001257234.2, NM_001257237.2); c.1649A>G, p.His550Arg (NM_001257231.2); c.1883A>G, p.His628Arg (NM_001324292.2); c.1397A>G, p.His466Arg (NM_001324293.1); short protein forms H466R, H524R, H550R, H628R.
Identifiers: ClinVar variation 2661212 (VCV002661212.23), dbSNP rs868434152, ClinGen allele CA334444487.

ClinVar aggregate classification (germline): Uncertain significance. Review status: criteria provided, multiple submitters, no conflicts (2 of 4 stars). 2 submissions from 2 submitters: Uncertain significance (2). Last evaluated 2025-11-01.

Conditions:
Developmental and epileptic encephalopathy, 36 (DEE36). Also called: Epileptic encephalopathy, early infantile, 36; Congenital disorder of glycosylation, type Is; ALG13-CDG. Identifiers: Orphanet 324422, MedGen C4317295, MONDO:0010472, OMIM 300884.

Allele frequency attached by ClinVar (database versions not stated): gnomAD exomes below 0.00001.
gnomAD v4.1: 4 of 1,211,741 alleles (0.00033%); highest among the groups gnomAD compares: South Asian, 0.0018%; no homozygotes.

Submissions (2):

Medical Molecular Genetics, National Research Centre
Classification: Uncertain significance for Developmental and epileptic encephalopathy, 36. Last evaluated: 2025-11-01. Review status: criteria provided, single submitter. Criteria: ACMG Guidelines, 2015. Collection method: research. Allele origin: inherited. Affected: yes.

CeGaT Center for Human Genetics Tuebingen
Classification: Uncertain significance. Last evaluated: 2022-08-01. Review status: criteria provided, single submitter. Criteria: CeGaT Center For Human Genetics Tuebingen Variant Classification Criteria Version 2. Collection method: clinical testing. Allele origin: germline. Affected: yes. Observed: 1 variant allele.
Comment: ALG13: PM2, BP4